The following is an entry in ClinVar:

ClinVar aggregate classification (germline): Pathogenic (1 of 4 stars; one submission).

Submission:

Labcorp Genetics (formerly Invitae), Labcorp
Classification: Pathogenic. Last evaluated: 2024-02-23. Review status: criteria provided, single submitter. Criteria: Invitae Variant Classification Sherloc (09022015). Collection method: clinical testing. Allele origin: germline.
Comment: This sequence change creates a premature translational stop signal (p.Leu422Trpfs*36) in the PEPD gene. While this is not anticipated to result in nonsense mediated decay, it is expected to disrupt the last 72 amino acid(s) of the PEPD protein. This variant is present in population databases (no rsID available, gnomAD 0.01%). This variant has not been reported in the literature in individuals affected with PEPD-related conditions. This variant disrupts a region of the PEPD protein in which other variant(s) (p.Gly448Arg) have been determined to be pathogenic (PMID: 8198124, 12384772, 17142620, 25460580). This suggests that this is a clinically significant region of the protein, and that variants that disrupt it are likely to be disease-causing. For these reasons, this variant has been classified as Pathogenic.

Literature cited by the submitters: PubMed 8198124; PubMed 12384772; PubMed 17142620; PubMed 25460580.

NM_000285.4(PEPD):c.1264del (p.Leu422fs)

Gene: PEPD (peptidase D; minus strand). Cytogenetic location: 19q13.11.
Variant type: Deletion.
Coding change: c.1264del on transcript NM_000285.4 (MANE Select); coding-DNA position 1264, one base deleted (C; older notation c.1264delC).
Protein change: p.Leu422fs; shifts the reading frame from leucine 422.
Molecular consequence: frameshift variant.
Genome position (GRCh38, 1-based): chr19:33,387,970, G deleted on the plus strand (C on the coding strand, the reverse complement: PEPD is on the minus strand); the first of 2 consecutive G bases (chr19:33,387,970-33,387,971); deleting either gives the same sequence. VCF-style (leftmost placement, unchanged base first): chr19-33387969-AG-A. GRCh37 (hg19) VCF-style: chr19-33878875-AG-A.
Other names: c.1141del, p.Leu381fs (NM_001166056.2); c.1072del, p.Leu358fs (NM_001166057.2); short protein forms L422fs, L358fs, L381fs.
Identifiers: ClinVar variation 2877080 (VCV002877080.3), dbSNP rs1473308366, ClinGen allele CA633055350.